The following is an entry in ClinVar:

ClinVar aggregate classification (germline): Uncertain significance. Review status: criteria provided, single submitter (1 of 4 stars). 2 submissions from 2 submitters: Uncertain significance (1). 1 of the submissions does not count toward it. Last evaluated 2024-09-21.

Conditions:
PALLD-related disorder. Also called: PALLD-related condition.

Allele frequency attached by ClinVar (database versions not stated): ExAC 0.00001; gnomAD exomes 0.00001; TOPMed 0.00001.
gnomAD v4.1: 15 of 1,614,130 alleles (0.00093%); highest among the groups gnomAD compares: Non-Finnish European, 0.0012%; no homozygotes.

Submissions (2):

Ambry Genetics
Classification: Uncertain significance. Last evaluated: 2024-09-21. Review status: criteria provided, single submitter. Criteria: Ambry Variant Classification Scheme 2023. Collection method: clinical testing. Allele origin: germline.
Comment: The p.P469L variant (also known as c.1406C>T), located in coding exon 6 of the PALLD gene, results from a C to T substitution at nucleotide position 1406. The proline at codon 469 is replaced by leucine, an amino acid with similar properties. This amino acid position is conserved. In addition, the in silico prediction for this alteration is inconclusive. Since supporting evidence is limited at this time, the clinical significance of this alteration remains unclear.

PreventionGenetics, part of Exact Sciences
Classification: Uncertain significance for PALLD-related condition. Last evaluated: 2024-05-24. Review status: no assertion criteria provided. Collection method: clinical testing. Allele origin: germline. Not counted in ClinVar's aggregate classification.
Comment: The PALLD c.1406C>T variant is predicted to result in the amino acid substitution p.Pro469Leu. To our knowledge, this variant has not been reported in the literature. This variant is reported in 0.0033% of alleles in individuals of South Asian descent in gnomAD. This variant is classified as a variant of uncertain significance. At this time, the clinical significance of this variant is uncertain due to the absence of conclusive functional and genetic evidence.

NM_001166108.2(PALLD):c.1406C>T (p.Pro469Leu)

Gene: PALLD (palladin, cytoskeletal associated protein; plus strand). Cytogenetic location: 4q32.3.
Variant type: single nucleotide variant.
Coding change: c.1406C>T on transcript NM_001166108.2 (MANE Select); coding-DNA position 1406, C replaced by T.
Protein change: p.Pro469Leu; replaces proline 469 with leucine.
Molecular consequence: missense variant.
Genome position (GRCh38, 1-based): chr4:168,690,673, C>T. VCF-style: chr4-168690673-C-T. GRCh37 (hg19) VCF-style: chr4-169611824-C-T.
Other names: c.260C>T, p.Pro87Leu (NM_001166109.2); c.1406C>T, p.Pro469Leu (NM_016081.4); short protein forms P469L, P87L.
Identifiers: ClinVar variation 1771903 (VCV001771903.4), dbSNP rs745457441, ClinGen allele CA3135605.